The following is an entry in ClinVar:

ClinVar aggregate classification (germline): Conflicting classifications of pathogenicity. Review status: criteria provided, conflicting classifications (1 of 4 stars). 2 submissions from 2 submitters: Uncertain significance (1); Likely benign (1). Last evaluated 2025-08-31.

Conditions:
Aortic valve disease 2 (AOVD2). Identifiers: MedGen C3542024, MONDO:0013902, OMIM 614823.

Allele frequency attached by ClinVar (database versions not stated): TOPMed 0.00002.
gnomAD v4.1: 14 of 1,599,758 alleles (0.00088%); highest among the groups gnomAD compares: Admixed American, 0.0033%; no homozygotes.

Submissions (2):

Labcorp Genetics (formerly Invitae), Labcorp
Classification: Uncertain significance for Aortic valve disease 2. Last evaluated: 2025-08-31. Review status: criteria provided, single submitter. Criteria: Invitae Variant Classification Sherloc (09022015). Collection method: clinical testing. Allele origin: germline.
Comment: This sequence change replaces glutamic acid, which is acidic and polar, with lysine, which is basic and polar, at codon 442 of the SMAD6 protein (p.Glu442Lys). This variant is present in population databases (no rsID available, gnomAD 0.0009%). This variant has not been reported in the literature in individuals affected with SMAD6-related conditions. ClinVar contains an entry for this variant (Variation ID: 1514705). Invitae Evidence Modeling of protein sequence and biophysical properties (such as structural, functional, and spatial information, amino acid conservation, physicochemical variation, residue mobility, and thermodynamic stability) indicates that this missense variant is not expected to disrupt SMAD6 protein function with a negative predictive value of 80%. In summary, the available evidence is currently insufficient to determine the role of this variant in disease. Therefore, it has been classified as a Variant of Uncertain Significance.

Blueprint Genetics
Classification: Likely benign. Last evaluated: 2023-04-24. Review status: criteria provided, single submitter. Criteria: ACMG Guidelines, 2015. Collection method: clinical testing. Allele origin: germline.

NM_005585.5(SMAD6):c.1324G>A (p.Glu442Lys)

Gene: SMAD6 (SMAD family member 6; plus strand). Cytogenetic location: 15q22.31.
Variant type: single nucleotide variant.
Coding change: c.1324G>A on transcript NM_005585.5 (MANE Select); coding-DNA position 1324, G replaced by A.
Protein change: p.Glu442Lys; replaces glutamic acid 442 with lysine.
Molecular consequence: missense variant. On other transcripts: non-coding transcript variant (1).
Genome position (GRCh38, 1-based): chr15:66,781,368, G>A. VCF-style: chr15-66781368-G-A. GRCh37 (hg19) VCF-style: chr15-67073706-G-A.
Other names: short protein forms E442K.
Identifiers: ClinVar variation 1514705 (VCV001514705.9), dbSNP rs778302338, ClinGen allele CA393202307.